The following is an entry in ClinVar:

NM_020442.6(VARS2):c.3053del (p.Pro1018fs)

Gene: VARS2 (valyl-tRNA synthetase 2, mitochondrial; plus strand). Cytogenetic location: 6p21.33.
Variant type: Deletion.
Coding change: c.3053del on transcript NM_020442.6 (MANE Select); coding-DNA position 3053, one base deleted (C; older notation c.3053delC).
Protein change: p.Pro1018fs; shifts the reading frame from proline 1018.
Molecular consequence: frameshift variant.
Genome position (GRCh38, 1-based): chr6:30,925,971, C deleted; the last of 4 consecutive C bases (chr6:30,925,968-30,925,971); deleting any one gives the same sequence. VCF-style (leftmost placement, unchanged base first): chr6-30925967-AC-A. GRCh37 (hg19) VCF-style: chr6-30893744-AC-A.
Other names: c.2633del, p.Pro878fs (NM_001167733.3); c.3143del, p.Pro1048fs (NM_001167734.2); short protein forms P1018fs, P1048fs, P878fs.
Identifiers: ClinVar variation 1375352 (VCV001375352.6), dbSNP rs2150571775, ClinGen allele CA2573140188.

ClinVar aggregate classification (germline): Uncertain significance (1 of 4 stars; one submission).

Submission:

Labcorp Genetics (formerly Invitae), Labcorp
Classification: Uncertain significance. Last evaluated: 2021-12-02. Review status: criteria provided, single submitter. Criteria: Invitae Variant Classification Sherloc (09022015). Collection method: clinical testing. Allele origin: germline.
Comment: In summary, the available evidence is currently insufficient to determine the role of this variant in disease. Therefore, it has been classified as a Variant of Uncertain Significance. Experimental studies and prediction algorithms are not available or were not evaluated, and the functional significance of this variant is currently unknown. This variant has not been reported in the literature in individuals affected with VARS2-related conditions. This variant is not present in population databases (gnomAD no frequency). This sequence change creates a premature translational stop signal (p.Pro1048Hisfs*34) in the VARS2 gene. While this is not anticipated to result in nonsense mediated decay, it is expected to disrupt the last 46 amino acid(s) of the VARS2 protein.